The following is an entry in ClinVar:

NM_181703.4(GJA5):c.986C>G (p.Pro329Arg)

Gene: GJA5 (gap junction protein alpha 5; minus strand). Cytogenetic location: 1q21.2.
Variant type: single nucleotide variant.
Coding change: c.986C>G on transcript NM_181703.4 (MANE Select); coding-DNA position 986, C replaced by G.
Protein change: p.Pro329Arg; replaces proline 329 with arginine.
Molecular consequence: missense variant.
Genome position (GRCh38, 1-based): chr1:147,758,253, G>C on the plus strand (C>G on the coding strand, the complement: GJA5 is on the minus strand). VCF-style: chr1-147758253-G-C. GRCh37 (hg19) VCF-style: chr1-147230361-G-C.
Other names: c.986C>G, p.Pro329Arg (NM_005266.7); short protein forms P329R.
Identifiers: ClinVar variation 4282389 (VCV004282389.1).

ClinVar aggregate classification (germline): Uncertain significance (1 of 4 stars; one submission).

Submission:

GeneDx
Classification: Uncertain significance. Last evaluated: 2025-04-10. Review status: criteria provided, single submitter. Criteria: GeneDx Variant Classification Process June 2021. Collection method: clinical testing. Allele origin: germline. Affected: yes.
Comment: Reported in an individual with Brugada syndrome who had multiple other cardiogenetic variants (PMID: 26220970); Not observed at significant frequency in large population cohorts (gnomAD); In silico analysis indicates that this missense variant does not alter protein structure/function; This variant is associated with the following publications: (PMID: 26220970)